The following is an entry in ClinVar:

NM_000397.4(CYBB):c.-65C>G

Gene: CYBB (cytochrome b-245 beta chain; plus strand). Cytogenetic location: Xp21.1.
Variant type: single nucleotide variant.
Coding change: c.-65C>G on transcript NM_000397.4 (MANE Select); 65 bases upstream of the start codon, C replaced by G.
Genome position (GRCh38, 1-based): chrX:37,780,013, C>G. VCF-style: chrX-37780013-C-G. GRCh37 (hg19) VCF-style: chrX-37639266-C-G.
Other names: C-65G.
Identifiers: ClinVar variation 1048546 (VCV001048546.3), dbSNP rs2146801885, ClinGen allele CA2499226671.
Genomic context (GRCh38, chrX:37,780,013, plus strand): 5'-TTAGCCAATTTCTGATAAAAGAAAAGGAAACCGATTGCCCCAGGGCTGCTGTTTTCATTT[C>G]CTCATTGGAAGAAGAAGCATAGTATAGAAGAAAGGCAAACACAACACATTCAACCTCTGC-3'

ClinVar aggregate classification (germline): Pathogenic (0 of 4 stars; one submission).

Conditions:
Granulomatous disease, chronic, X-linked. Also called: CYTOCHROME b-NEGATIVE GRANULOMATOUS DISEASE, CHRONIC, X-LINKED; GRANULOMATOUS DISEASE, CHRONIC, X-LINKED, SOMATIC MOSAIC. Identifiers: Orphanet 379, MedGen C1844376, MONDO:0010600, OMIM 306400.

Submission:

Koker Lab, University of Erciyes Medical School
Classification: Pathogenic for Granulomatous disease, chronic, X-linked. Last evaluated: 2020-03-27. Review status: no assertion criteria provided. Collection method: case-control. Allele origin: germline. Inheritance: X-linked recessive inheritance. Affected: yes. Observed: 1 variant allele, 1 hemizygote.

Literature cited by the submitters: DOI 10.1111/cei.13520; DOI 10.1016/j.bcmd.2010.07.012.